The following is an entry in ClinVar:

NM_080916.3(DGUOK):c.353G>A (p.Arg118His)

Gene: DGUOK (deoxyguanosine kinase; plus strand). Cytogenetic location: 2p13.1.
Variant type: single nucleotide variant.
Coding change: c.353G>A on transcript NM_080916.3 (MANE Select); coding-DNA position 353, G replaced by A.
Protein change: p.Arg118His; replaces arginine 118 with histidine.
Molecular consequence: missense variant. On other transcripts: non-coding transcript variant (5).
Genome position (GRCh38, 1-based): chr2:73,946,816, G>A. VCF-style: chr2-73946816-G-A. GRCh37 (hg19) VCF-style: chr2-74173943-G-A.
Other names: p.Arg118His; c.353G>A (NM_080916.2); c.353G>A, p.Arg118His (NM_001318859.2, NM_080918.3); c.62G>A, p.Arg21His (NM_001318860.2, NM_001318861.2, NM_001318862.2 and 1 more transcripts); short protein forms R118H, R21H.
Identifiers: ClinVar variation 286174 (VCV000286174.14), dbSNP rs150678946, ClinGen allele CA10575453.

ClinVar aggregate classification (germline): Pathogenic/Likely pathogenic. Review status: criteria provided, multiple submitters, no conflicts (2 of 4 stars). 6 submissions from 6 submitters: Pathogenic (2); Likely pathogenic (3). 1 of the submissions does not count toward it. Last evaluated 2026-01-26.

Conditions:
DGUOK-related disorder. Also called: DGUOK-related condition.
Mitochondrial DNA depletion syndrome 3 (hepatocerebral type). Also called: Deoxyguanosine Kinase Deficiency; Mitochondrial DNA depletion syndrome, hepatocerebral form due to DGUOK deficiency; MITOCHONDRIAL DNA DEPLETION SYNDROME 3. Identifiers: Orphanet 279934, MedGen CN074093, MONDO:0009636, OMIM 251880.

gnomAD v4.1: 11 of 1,613,822 alleles (0.00068%); highest among the groups gnomAD compares: African/African-American, 0.0013%; no homozygotes.

Submissions (6):

Labcorp Genetics (formerly Invitae), Labcorp
Classification: Pathogenic. Last evaluated: 2026-01-26. Review status: criteria provided, single submitter. Criteria: Invitae Variant Classification Sherloc (09022015). Collection method: clinical testing. Allele origin: germline.
Comment: This sequence change replaces arginine, which is basic and polar, with histidine, which is basic and polar, at codon 118 of the DGUOK protein (p.Arg118His). This variant is present in population databases (no rsID available, gnomAD 0.0009%). This missense change has been observed in individuals with clinical features of mitochondrial DNA depletion syndrome (PMID: 19380071, 29453417, 32320107, 34167177, 38178268). ClinVar contains an entry for this variant (Variation ID: 286174). Invitae Evidence Modeling of protein sequence and biophysical properties (such as structural, functional, and spatial information, amino acid conservation, physicochemical variation, residue mobility, and thermodynamic stability) indicates that this missense variant is expected to disrupt DGUOK protein function with a positive predictive value of 95%. This variant disrupts the p.Arg118 amino acid residue in DGUOK. Other variant(s) that disrupt this residue have been determined to be pathogenic (PMID: 18205204, 23141463). This suggests that this residue is clinically significant, and that variants that disrupt this residue are likely to be disease-causing. For these reasons, this variant has been classified as Pathogenic.

Women's Health and Genetics/Laboratory Corporation of America, LabCorp
Classification: Pathogenic for Mitochondrial DNA depletion syndrome 3 (hepatocerebral type). Last evaluated: 2024-11-08. Review status: criteria provided, single submitter. Criteria: LabCorp Variant Classification Summary - May 2015. Collection method: clinical testing. Allele origin: germline.
Comment: Variant summary: DGUOK c.353G>A (p.Arg118His) results in a non-conservative amino acid change in the encoded protein sequence. Five of five in-silico tools predict a damaging effect of the variant on protein function. The variant allele was found at a frequency of 4e-06 in 251438 control chromosomes. c.353G>A has been reported in the presumed compound heterozygous or homozygous state in the literature in multiple individuals affected with clinical features of Mitochondrial DNA depletion syndrome 3 (example, Canavati_2024, Dillon_2018, Diogo_2009, Dogulu_2021). These data indicate that the variant is very likely to be associated with disease. To our knowledge, no experimental evidence demonstrating an impact on protein function has been reported. The following publications have been ascertained in the context of this evaluation (PMID: 38178268, 29453417, 19380071, 34167177). ClinVar contains an entry for this variant (Variation ID: 286174). Based on the evidence outlined above, the variant was classified as pathogenic.

Revvity Omics, Revvity
Classification: Likely pathogenic. Last evaluated: 2023-05-17. Review status: criteria provided, single submitter. Criteria: ACMG Guidelines, 2015. Collection method: clinical testing. Allele origin: germline.

Breakthrough Genomics
Classification: Likely pathogenic for Mitochondrial DNA depletion syndrome 3 (hepatocerebral type). Last evaluated: 2020-04-11. Review status: criteria provided, single submitter. Criteria: ACMG Guidelines, 2015. Collection method: clinical testing. Allele origin: germline. Affected: yes.
Comment: This variant is predicted to be damaging by in-silico missense prediction tools (SIFT and Polyphen2).

Eurofins Ntd Llc (ga)
Classification: Likely pathogenic. Last evaluated: 2016-02-17. Review status: criteria provided, single submitter. Criteria: EGL Classification Definitions 2015. Collection method: clinical testing. Allele origin: germline.

PreventionGenetics, part of Exact Sciences
Classification: Likely pathogenic for DGUOK-related condition. Last evaluated: 2023-10-23. Review status: no assertion criteria provided. Collection method: clinical testing. Allele origin: germline. Not counted in ClinVar's aggregate classification.
Comment: The DGUOK c.353G>A variant is predicted to result in the amino acid substitution p.Arg118His. This variant was reported in the heterozygous state with a second plausible causative variant in an individual with mitochondrial DNA depletion syndrome (Diogo et al. 2009. PubMed ID: 19380071). This variant was also reported in the homozygous state in two individuals with hepatic failure (Table S1, Dillon et al. 2018. PubMed ID: 29453417; Doğulu et al. 2021. PubMed ID: 34167177). This variant is reported in 0.00088% of alleles in individuals of European (Non-Finnish) descent in gnomAD. Different nucleotide substitutions affecting the same amino acid (p.Arg118Cys and p.Arg118Leu) have been reported in individuals with mitochondrial DNA depletion syndrome (Dimmock et al. 2008. PubMed ID: 18205204; Haudry et al. 2012. PubMed ID: 23141463; Table S4, Yépez et al. 2022. PubMed ID: 35379322). Taken together, the c.353G>A (p.Arg118His) variant is interpreted as likely pathogenic.

Literature cited by the submitters: PubMed 19380071 (cited by Labcorp Genetics (formerly Invitae), Labcorp and Women's Health and Genetics/Laboratory Corporation of America, LabCorp); PubMed 29453417 (cited by Labcorp Genetics (formerly Invitae), Labcorp and Women's Health and Genetics/Laboratory Corporation of America, LabCorp); PubMed 32320107 (cited by Labcorp Genetics (formerly Invitae), Labcorp); PubMed 34167177 (cited by Labcorp Genetics (formerly Invitae), Labcorp and Women's Health and Genetics/Laboratory Corporation of America, LabCorp); PubMed 38178268 (cited by Labcorp Genetics (formerly Invitae), Labcorp and Women's Health and Genetics/Laboratory Corporation of America, LabCorp); PubMed 18205204 (cited by Labcorp Genetics (formerly Invitae), Labcorp); PubMed 23141463 (cited by Labcorp Genetics (formerly Invitae), Labcorp).